The following is an entry in ClinVar:

NM_000540.3(RYR1):c.1633T>A (p.Trp545Arg)

Gene: RYR1 (ryanodine receptor 1; plus strand). Cytogenetic location: 19q13.2.
Variant type: single nucleotide variant.
Coding change: c.1633T>A on transcript NM_000540.3 (MANE Select); coding-DNA position 1633, T replaced by A.
Protein change: p.Trp545Arg; replaces tryptophan 545 with arginine.
Molecular consequence: missense variant.
Genome position (GRCh38, 1-based): chr19:38,455,507, T>A. VCF-style: chr19-38455507-T-A. GRCh37 (hg19) VCF-style: chr19-38946147-T-A.
Other names: c.1633T>A, p.Trp545Arg (NM_001042723.2); short protein forms W545R.
Identifiers: ClinVar variation 1907868 (VCV001907868.5), dbSNP rs2514027030, ClinGen allele CA405690154.
Genomic context (GRCh38, chr19:38,455,507, plus strand): 5'-TCAGCTTCTCTAATCCGTGGCAATCGTAGCAACTGTGCCCTCTTCTCCACAAACTTGGAC[T>A]GGCTGGTCAGCAAGCTGGATCGGCTGGAGGCCTCGTCTGGTAGGAGAACCCGGGGGAGTG-3'
Protein context (NP_000531.2, residues 535-555): NCALFSTNLD[Trp545Arg]LVSKLDRLEA

ClinVar aggregate classification (germline): Uncertain significance (1 of 4 stars; one submission).

Conditions:
RYR1-related disorder. Also called: RYR1-related condition; RYR1-related disorders. Identifiers: MedGen CN239331.

Submission:

Labcorp Genetics (formerly Invitae), Labcorp
Classification: Uncertain significance for RYR1-related disorder. Last evaluated: 2024-04-15. Review status: criteria provided, single submitter. Criteria: Invitae Variant Classification Sherloc (09022015). Collection method: clinical testing. Allele origin: germline.
Comment: This sequence change replaces tryptophan, which is neutral and slightly polar, with arginine, which is basic and polar, at codon 545 of the RYR1 protein (p.Trp545Arg). This variant is not present in population databases (gnomAD no frequency). This variant has not been reported in the literature in individuals affected with RYR1-related conditions. ClinVar contains an entry for this variant (Variation ID: 1907868). Advanced modeling of protein sequence and biophysical properties (such as structural, functional, and spatial information, amino acid conservation, physicochemical variation, residue mobility, and thermodynamic stability) performed at Invitae indicates that this missense variant is expected to disrupt RYR1 protein function with a positive predictive value of 95%. In summary, the available evidence is currently insufficient to determine the role of this variant in disease. Therefore, it has been classified as a Variant of Uncertain Significance.